The following is an entry in ClinVar:

ClinVar aggregate classification (germline): Uncertain significance (1 of 4 stars; one submission).

Conditions:
Primary ciliary dyskinesia 28. Also called: CILIARY DYSKINESIA, PRIMARY, 28, WITH OR WITHOUT SITUS INVERSUS. Identifiers: Orphanet 244, MedGen C3809706, MONDO:0014216, OMIM 615505.

Submission:

Labcorp Genetics (formerly Invitae), Labcorp
Classification: Uncertain significance for Primary ciliary dyskinesia 28. Last evaluated: 2022-10-17. Review status: criteria provided, single submitter. Criteria: Invitae Variant Classification Sherloc (09022015). Collection method: clinical testing. Allele origin: germline.
Comment: In summary, the available evidence is currently insufficient to determine the role of this variant in disease. Therefore, it has been classified as a Variant of Uncertain Significance. Algorithms developed to predict the effect of missense changes on protein structure and function output the following: SIFT: "Tolerated"; PolyPhen-2: "Possibly Damaging"; Align-GVGD: "Class C0". The histidine amino acid residue is found in multiple mammalian species, which suggests that this missense change does not adversely affect protein function. This variant has not been reported in the literature in individuals affected with SPAG1-related conditions. This variant is not present in population databases (gnomAD no frequency). This sequence change replaces tyrosine, which is neutral and polar, with histidine, which is basic and polar, at codon 6 of the SPAG1 protein (p.Tyr6His).

NM_003114.5(SPAG1):c.16T>C (p.Tyr6His)

Gene: SPAG1 (sperm associated antigen 1; plus strand). Cytogenetic location: 8q22.2.
Variant type: single nucleotide variant.
Coding change: c.16T>C on transcript NM_003114.5 (MANE Select); coding-DNA position 16, T replaced by C.
Protein change: p.Tyr6His; replaces tyrosine 6 with histidine.
Molecular consequence: missense variant.
Genome position (GRCh38, 1-based): chr8:100,162,296, T>C. VCF-style: chr8-100162296-T-C. GRCh37 (hg19) VCF-style: chr8-101174524-T-C.
Other names: c.16T>C, p.Tyr6His (NM_001374321.1, NM_172218.3); short protein forms Y6H.
Identifiers: ClinVar variation 2106212 (VCV002106212.4), dbSNP rs2489271220, ClinGen allele CA371819253.